The following is an entry in ClinVar:

ClinVar aggregate classification (germline): Conflicting classifications of pathogenicity. Review status: criteria provided, conflicting classifications (1 of 4 stars). 2 submissions from 2 submitters: Uncertain significance (1); Likely benign (1). Last evaluated 2025-10-07.

Conditions:
Inborn genetic diseases. Identifiers: MedGen C0950123, MeSH D030342.
Amyotrophic lateral sclerosis type 6. Also called: FUS-Related Amyotrophic Laterial Sclerosis; AMYOTROPHIC LATERAL SCLEROSIS 6 WITHOUT FRONTOTEMPORAL DEMENTIA; Amyotrophic lateral sclerosis 6, with or without frontotemporal dementia. Identifiers: Orphanet 275872, Orphanet 803, MedGen C2931786, MONDO:0011951, OMIM 608030.
Tremor, hereditary essential, 4 (ETM4). Identifiers: MedGen C3539195, MONDO:0013888, OMIM 614782.

Allele frequency attached by ClinVar (database versions not stated): TOPMed 0.00002; ESP Exome Variant Server 0.00008.
gnomAD v4.1: 47 of 1,614,074 alleles (0.0029%); highest among the groups gnomAD compares: Middle Eastern, 0.016%; no homozygotes.

Submissions (2):

Labcorp Genetics (formerly Invitae), Labcorp
Classification: Uncertain significance for Tremor, hereditary essential, 4; Amyotrophic lateral sclerosis type 6. Last evaluated: 2025-10-07. Review status: criteria provided, single submitter. Criteria: Invitae Variant Classification Sherloc (09022015). Collection method: clinical testing. Allele origin: germline.
Comment: This sequence change affects codon 439 of the FUS mRNA. It is a 'silent' change, meaning that it does not change the encoded amino acid sequence of the FUS protein. This variant is present in population databases (rs377010944, gnomAD 0.004%). This variant has been observed in individual(s) with clinical features of amyotrophic lateral sclerosis (PMID: 22292843; internal data). ClinVar contains an entry for this variant (Variation ID: 1054806). Algorithms developed to predict the effect of sequence changes on RNA splicing suggest that this variant is not likely to affect RNA splicing. In summary, the available evidence is currently insufficient to determine the role of this variant in disease. Therefore, it has been classified as a Variant of Uncertain Significance.

Ambry Genetics
Classification: Likely benign for Inborn genetic diseases. Last evaluated: 2023-08-30. Review status: criteria provided, single submitter. Criteria: Ambry Variant Classification Scheme 2023. Collection method: clinical testing. Allele origin: germline.

Literature cited by the submitters: PubMed 22292843 (cited by Labcorp Genetics (formerly Invitae), Labcorp).

NM_004960.4(FUS):c.1317T>C (p.Ser439=)

Gene: FUS (FUS RNA binding protein; plus strand). Cytogenetic location: 16p11.2.
Variant type: single nucleotide variant.
Coding change: c.1317T>C on transcript NM_004960.4 (MANE Select); coding-DNA position 1317, T replaced by C.
Protein change: p.Ser439=; no amino-acid change (serine 439 retained).
Molecular consequence: synonymous variant. On other transcripts: non-coding transcript variant (1).
Genome position (GRCh38, 1-based): chr16:31,190,766, T>C. VCF-style: chr16-31190766-T-C. GRCh37 (hg19) VCF-style: chr16-31202087-T-C.
Other names: c.1314T>C, p.Ser438= (NM_001170634.1); c.1305T>C, p.Ser435= (NM_001170937.1).
Identifiers: ClinVar variation 1054806 (VCV001054806.9), dbSNP rs377010944, ClinGen allele CA8024021.
Genomic context (GRCh38, chr16:31,190,766, plus strand): 5'-CATCGCTCCAGACTGATTGTCTTCCTTTCTCCTTAGCACCTGTGAGAATATGAACTTCTC[T>C]TGGAGGAATGAATGCAACCAGTGTAAGGCCCCTAAACCAGATGGCCCAGGAGGGGGACCA-3'
Protein context (NP_004951.1, residues 429-449): PNPTCENMNF[Ser439=]WRNECNQCKA